The following is an entry in ClinVar:

ClinVar aggregate classification (germline): Uncertain significance. Review status: criteria provided, multiple submitters, no conflicts (2 of 4 stars). 2 submissions from 2 submitters: Uncertain significance (2). Last evaluated 2024-05-28.

Conditions:
Inborn genetic diseases. Identifiers: MedGen C0950123, MeSH D030342.

Allele frequency attached by ClinVar (database versions not stated): gnomAD exomes below 0.00001; TOPMed below 0.00001; gnomAD 0.00001.
gnomAD v4.1: 4 of 1,613,878 alleles (0.00025%); highest among the groups gnomAD compares: Non-Finnish European, 0.00034%; no homozygotes.

Submissions (2):

Ambry Genetics
Classification: Uncertain significance for Inborn genetic diseases. Last evaluated: 2024-05-28. Review status: criteria provided, single submitter. Criteria: Ambry Variant Classification Scheme 2023. Collection method: clinical testing. Allele origin: germline.

Labcorp Genetics (formerly Invitae), Labcorp
Classification: Uncertain significance. Last evaluated: 2022-07-21. Review status: criteria provided, single submitter. Criteria: Invitae Variant Classification Sherloc (09022015). Collection method: clinical testing. Allele origin: germline.
Comment: In summary, the available evidence is currently insufficient to determine the role of this variant in disease. Therefore, it has been classified as a Variant of Uncertain Significance. Algorithms developed to predict the effect of missense changes on protein structure and function are either unavailable or do not agree on the potential impact of this missense change (SIFT: "Tolerated"; PolyPhen-2: "Possibly Damaging"; Align-GVGD: "Class C0"). This variant has not been reported in the literature in individuals affected with C2CD3-related conditions. This variant is not present in population databases (gnomAD no frequency). This sequence change replaces serine, which is neutral and polar, with glycine, which is neutral and non-polar, at codon 946 of the C2CD3 protein (p.Ser946Gly).

NM_001286577.2(C2CD3):c.2836A>G (p.Ser946Gly)

Gene: C2CD3 (C2 domain containing 3 centriole elongation regulator; minus strand). Cytogenetic location: 11q13.4.
Variant type: single nucleotide variant.
Coding change: c.2836A>G on transcript NM_001286577.2 (MANE Select); coding-DNA position 2836, A replaced by G.
Protein change: p.Ser946Gly; replaces serine 946 with glycine.
Molecular consequence: missense variant.
Genome position (GRCh38, 1-based): chr11:74,098,152, T>C on the plus strand (A>G on the coding strand, the complement: C2CD3 is on the minus strand). VCF-style: chr11-74098152-T-C. GRCh37 (hg19) VCF-style: chr11-73809197-T-C.
Other names: c.2836A>G, p.Ser946Gly (NM_015531.6); c.2836A>G (NM_015531.4); short protein forms S946G.
Identifiers: ClinVar variation 1906494 (VCV001906494.6), dbSNP rs1956179325, ClinGen allele CA381829918.